The following is an entry in ClinVar:

ClinVar aggregate classification (germline): Uncertain significance (1 of 4 stars; one submission).

Conditions:
Atrial fibrillation, familial, 7 (ATFB7). Identifiers: MedGen C2677106, MONDO:0012828, OMIM 612240.

Allele frequency attached by ClinVar (database versions not stated): gnomAD exomes below 0.00001 and 0.00001; gnomAD 0.00001; TOPMed 0.00001.

Submission:

Labcorp Genetics (formerly Invitae), Labcorp
Classification: Uncertain significance for Atrial fibrillation, familial, 7. Last evaluated: 2020-08-21. Review status: criteria provided, single submitter. Criteria: Invitae Variant Classification Sherloc (09022015). Collection method: clinical testing. Allele origin: germline.
Comment: This sequence change replaces threonine with proline at codon 39 of the KCNA5 protein (p.Thr39Pro). The threonine residue is weakly conserved and there is a small physicochemical difference between threonine and proline. The frequency data for this variant in the population databases is considered unreliable, as metrics indicate insufficient coverage at this position in the ExAC database. This variant has not been reported in the literature in individuals with KCNA5-related conditions. Algorithms developed to predict the effect of missense changes on protein structure and function are either unavailable or do not agree on the potential impact of this missense change (SIFT: "Tolerated"; PolyPhen-2: "Probably Damaging"; Align-GVGD: "Class C0"). In summary, the available evidence is currently insufficient to determine the role of this variant in disease. Therefore, it has been classified as a Variant of Uncertain Significance.

NM_002234.4(KCNA5):c.115A>C (p.Thr39Pro)

Gene: KCNA5 (potassium voltage-gated channel subfamily A member 5; plus strand). Cytogenetic location: 12p13.32.
Variant type: single nucleotide variant.
Coding change: c.115A>C on transcript NM_002234.4 (MANE Select); coding-DNA position 115, A replaced by C.
Protein change: p.Thr39Pro; replaces threonine 39 with proline.
Molecular consequence: missense variant.
Genome position (GRCh38, 1-based): chr12:5,044,262, A>C. VCF-style: chr12-5044262-A-C. GRCh37 (hg19) VCF-style: chr12-5153428-A-C.
Other names: short protein forms T39P.
Identifiers: ClinVar variation 842980 (VCV000842980.9), dbSNP rs1299972539, ClinGen allele CA383461923.